The following is an entry in ClinVar:

NM_003922.4(HERC1):c.10090C>G (p.Leu3364Val)

Gene: HERC1 (HECT and RLD domain containing E3 ubiquitin protein ligase family member 1; minus strand). Cytogenetic location: 15q22.31.
Variant type: single nucleotide variant.
Coding change: c.10090C>G on transcript NM_003922.4 (MANE Select); coding-DNA position 10090, C replaced by G.
Protein change: p.Leu3364Val; replaces leucine 3364 with valine.
Molecular consequence: missense variant.
Genome position (GRCh38, 1-based): chr15:63,654,319, G>C on the plus strand (C>G on the coding strand, the complement: HERC1 is on the minus strand). VCF-style: chr15-63654319-G-C. GRCh37 (hg19) VCF-style: chr15-63946518-G-C.
Other names: c.10090C>G (NM_003922.3); short protein forms L3364V.
Identifiers: ClinVar variation 2170070 (VCV002170070.3), dbSNP rs771842729, ClinGen allele CA7604552.

ClinVar aggregate classification (germline): Uncertain significance. Review status: criteria provided, multiple submitters, no conflicts (2 of 4 stars). 3 submissions from 3 submitters: Uncertain significance (3). Last evaluated 2023-12-19.

Conditions:
Inborn genetic diseases. Identifiers: MedGen C0950123, MeSH D030342.

Allele frequency attached by ClinVar (database versions not stated): TOPMed below 0.00001; ExAC 0.00002; gnomAD exomes 0.00002.
gnomAD v4.1: 22 of 1,612,354 alleles (0.0014%); highest among the groups gnomAD compares: Non-Finnish European, 0.0018%; no homozygotes.

Submissions (3):

GeneDx
Classification: Uncertain significance. Last evaluated: 2023-12-19. Review status: criteria provided, single submitter. Criteria: GeneDx Variant Classification Process June 2021. Collection method: clinical testing. Allele origin: germline. Affected: yes.
Comment: Not observed at significant frequency in large population cohorts (gnomAD); In silico analysis supports that this missense variant does not alter protein structure/function; Has not been previously published as pathogenic or benign to our knowledge

Labcorp Genetics (formerly Invitae), Labcorp
Classification: Uncertain significance. Last evaluated: 2022-02-08. Review status: criteria provided, single submitter. Criteria: Invitae Variant Classification Sherloc (09022015). Collection method: clinical testing. Allele origin: germline.
Comment: This sequence change replaces leucine, which is neutral and non-polar, with valine, which is neutral and non-polar, at codon 3364 of the HERC1 protein (p.Leu3364Val). This variant is present in population databases (rs771842729, gnomAD 0.005%). This variant has not been reported in the literature in individuals affected with HERC1-related conditions. Algorithms developed to predict the effect of missense changes on protein structure and function are either unavailable or do not agree on the potential impact of this missense change (SIFT: "Deleterious"; PolyPhen-2: "Probably Damaging"; Align-GVGD: "Class C0"). In summary, the available evidence is currently insufficient to determine the role of this variant in disease. Therefore, it has been classified as a Variant of Uncertain Significance.

Ambry Genetics
Classification: Uncertain significance for Inborn genetic diseases. Last evaluated: 2021-08-16. Review status: criteria provided, single submitter. Criteria: Ambry Variant Classification Scheme 2023. Collection method: clinical testing. Allele origin: germline.